The following is an entry in ClinVar:

NM_006767.4(LZTR1):c.551G>A (p.Ser184Asn)

Gene: LZTR1 (leucine zipper like post translational regulator 1; plus strand). Cytogenetic location: 22q11.21.
Variant type: single nucleotide variant.
Coding change: c.551G>A on transcript NM_006767.4 (MANE Select); coding-DNA position 551, G replaced by A.
Protein change: p.Ser184Asn; replaces serine 184 with asparagine.
Molecular consequence: missense variant.
Genome position (GRCh38, 1-based): chr22:20,988,830, G>A. VCF-style: chr22-20988830-G-A. GRCh37 (hg19) VCF-style: chr22-21343119-G-A.
Other names: short protein forms S184N.
Identifiers: ClinVar variation 2858243 (VCV002858243.4), dbSNP rs2518614133, ClinGen allele CA410780156.

ClinVar aggregate classification (germline): Uncertain significance. Review status: criteria provided, multiple submitters, no conflicts (2 of 4 stars). 2 submissions from 2 submitters: Uncertain significance (2). Last evaluated 2024-02-20.

Conditions:
LZTR1-related schwannomatosis. Also called: Schwannomatosis 2; Schwannomatosis-2, susceptibility to. Identifiers: Orphanet 93921, MedGen C3810283, MONDO:0014299, OMIM 615670.
Noonan syndrome 10 (NS10). Identifiers: Orphanet 648, MedGen C4225280, MONDO:0014693, OMIM 616564.
Noonan syndrome 2 (NS2). Identifiers: Orphanet 648, MedGen C1854469, MONDO:0011531, OMIM 605275.

Submissions (2):

Fulgent Genetics
Classification: Uncertain significance for Noonan syndrome 2; LZTR1-related schwannomatosis; Noonan syndrome 10. Last evaluated: 2024-02-20. Review status: criteria provided, single submitter. Criteria: ACMG Guidelines, 2015. Collection method: clinical testing. Allele origin: germline.

Labcorp Genetics (formerly Invitae), Labcorp
Classification: Uncertain significance. Last evaluated: 2023-05-04. Review status: criteria provided, single submitter. Criteria: Invitae Variant Classification Sherloc (09022015). Collection method: clinical testing. Allele origin: germline.
Comment: In summary, the available evidence is currently insufficient to determine the role of this variant in disease. Therefore, it has been classified as a Variant of Uncertain Significance. Advanced modeling of protein sequence and biophysical properties (such as structural, functional, and spatial information, amino acid conservation, physicochemical variation, residue mobility, and thermodynamic stability) performed at Invitae indicates that this missense variant is not expected to disrupt LZTR1 protein function. This variant has not been reported in the literature in individuals affected with LZTR1-related conditions. This variant is not present in population databases (gnomAD no frequency). This sequence change replaces serine, which is neutral and polar, with asparagine, which is neutral and polar, at codon 184 of the LZTR1 protein (p.Ser184Asn).